The following is an entry in ClinVar:

NC_000022.10:g.(?_32477833)_(32506200_?)dup

Gene: SLC5A1 (solute carrier family 5 member 1; plus strand). Cytogenetic location: 22q12.3.
Variant type: Duplication.
Identifiers: ClinVar variation 2422939 (VCV002422939.4).

ClinVar aggregate classification (germline): Uncertain significance (1 of 4 stars; one submission).

Conditions:
Congenital glucose-galactose malabsorption (GGM). Also called: DIARRHEA 16; MONOSACCHARIDE MALABSORPTION. Identifiers: Orphanet 35710, MedGen C0268186, MONDO:0011731, OMIM 606824.

Submission:

Labcorp Genetics (formerly Invitae), Labcorp
Classification: Uncertain significance for Congenital glucose-galactose malabsorption. Last evaluated: 2022-06-19. Review status: criteria provided, single submitter. Criteria: Invitae Variant Classification Sherloc (09022015). Collection method: clinical testing. Allele origin: germline.
Comment: In summary, the available evidence is currently insufficient to determine the role of this variant in disease. Therefore, it has been classified as a Variant of Uncertain Significance. This variant has not been reported in the literature in individuals affected with SLC5A1-related conditions. This variant results in a copy number gain of the genomic region encompassing exon(s) 6-15 of the SLC5A1 gene. This region includes the termination codon of the gene. This copy number gain extends beyond the assayed region for this gene and therefore may encompass additional genes. As the precise location of this event is unknown, it may be in tandem or it may be located elsewhere in the genome.